The following is an entry in ClinVar:

ClinVar aggregate classification (germline): Uncertain significance (1 of 4 stars; one submission).

Conditions:
Cholestanol storage disease (CTX). Also called: CTX: Cerebrotendinous xanthomatosis; CEREBRAL CHOLESTERINOSIS; Cerebrotendinous Xanthomatosis. Identifiers: Orphanet 909, MedGen C0238052, MONDO:0008948, OMIM 213700.

Allele frequency attached by ClinVar (database versions not stated): gnomAD exomes below 0.00001.
gnomAD v4.1: 1 of 1,614,258 alleles (0.000062%); highest among the groups gnomAD compares: Middle Eastern, 0.016%; no homozygotes.

Submission:

Labcorp Genetics (formerly Invitae), Labcorp
Classification: Uncertain significance for Cholestanol storage disease. Last evaluated: 2024-10-30. Review status: criteria provided, single submitter. Criteria: Invitae Variant Classification Sherloc (09022015). Collection method: clinical testing. Allele origin: germline.
Comment: This sequence change replaces histidine, which is basic and polar, with proline, which is neutral and non-polar, at codon 382 of the CYP27A1 protein (p.His382Pro). This variant is not present in population databases (gnomAD no frequency). This variant has not been reported in the literature in individuals affected with CYP27A1-related conditions. ClinVar contains an entry for this variant (Variation ID: 2188350). Invitae Evidence Modeling of protein sequence and biophysical properties (such as structural, functional, and spatial information, amino acid conservation, physicochemical variation, residue mobility, and thermodynamic stability) indicates that this missense variant is expected to disrupt CYP27A1 protein function with a positive predictive value of 95%. In summary, the available evidence is currently insufficient to determine the role of this variant in disease. Therefore, it has been classified as a Variant of Uncertain Significance.

NM_000784.4(CYP27A1):c.1145A>C (p.His382Pro)

Gene: CYP27A1 (cytochrome P450 family 27 subfamily A member 1; plus strand). Cytogenetic location: 2q35.
Variant type: single nucleotide variant.
Coding change: c.1145A>C on transcript NM_000784.4 (MANE Select); coding-DNA position 1145, A replaced by C.
Protein change: p.His382Pro; replaces histidine 382 with proline.
Molecular consequence: missense variant.
Genome position (GRCh38, 1-based): chr2:218,814,148, A>C. VCF-style: chr2-218814148-A-C. GRCh37 (hg19) VCF-style: chr2-219678871-A-C.
Other names: short protein forms H382P.
Identifiers: ClinVar variation 2188350 (VCV002188350.3), dbSNP rs2470229141, ClinGen allele CA350592375.